The following is an entry in ClinVar:

ClinVar aggregate classification (germline): Pathogenic (1 of 4 stars; one submission).

Conditions:
Birt-Hogg-Dube syndrome. Also called: Birt Hogg Dubé syndrome. Identifiers: Orphanet 122, MedGen C0346010, MONDO:0800444.

Submission:

Labcorp Genetics (formerly Invitae), Labcorp
Classification: Pathogenic for Birt-Hogg-Dube syndrome. Last evaluated: 2019-03-05. Review status: criteria provided, single submitter. Criteria: Invitae Variant Classification Sherloc (09022015). Collection method: clinical testing. Allele origin: germline.
Comment: This variant is not present in population databases (ExAC no frequency). This sequence change creates a premature translational stop signal (p.Asp247Glnfs*11) in the FLCN gene. It is expected to result in an absent or disrupted protein product. This variant has not been reported in the literature in individuals with FLCN-related conditions. Loss-of-function variants in FLCN are known to be pathogenic (PMID: 15852235). For these reasons, this variant has been classified as Pathogenic.

Literature cited by the submitters: PubMed 15852235.

NM_144997.7(FLCN):c.739_761delinsCAGCGAG (p.Asp247fs)

Gene: FLCN (folliculin; minus strand). Cytogenetic location: 17p11.2.
Variant type: Indel.
Coding change: c.739_761delinsCAGCGAG on transcript NM_144997.7 (MANE Select); coding-DNA positions 739 to 761, GATGACAACCTGTGGGCGTGCCT replaced by CAGCGAG.
Protein change: p.Asp247fs; shifts the reading frame from aspartic acid 247.
Molecular consequence: frameshift variant.
Genome position (GRCh38, 1-based): chr17:17,222,519-17,222,541, AGGCACGCCCACAGGTTGTCATC replaced by CTCGCTG on the plus strand (GATGACAACCTGTGGGCGTGCCT replaced by CAGCGAG on the coding strand, the reverse complement: FLCN is on the minus strand). VCF-style: chr17-17222519-AGGCACGCCCACAGGTTGTCATC-CTCGCTG. GRCh37 (hg19) VCF-style: chr17-17125833-AGGCACGCCCACAGGTTGTCATC-CTCGCTG.
Other names: c.793_815delinsCAGCGAG, p.Asp265fs (NM_001353229.2); c.739_761delinsCAGCGAG, p.Asp247fs (NM_001353230.2, NM_001353231.2, NM_144606.7); short protein forms D247fs, D265fs.
Identifiers: ClinVar variation 845669 (VCV000845669.7), dbSNP rs2047123162, ClinGen allele CA916081873.